The following is an entry in ClinVar:

ClinVar aggregate classification (germline): Uncertain significance. Review status: criteria provided, multiple submitters, no conflicts (2 of 4 stars). 2 submissions from 2 submitters: Uncertain significance (2). Last evaluated 2022-06-27.

Conditions:
Nephronophthisis. Also called: Juvenile Nephronophthisis. Identifiers: Orphanet 655, MedGen C0687120, MONDO:0019005, HP:0000090.
Jeune thoracic dystrophy. Also called: Short-rib thoracic dysplasia; Infantile thoracic dystrophy; Thoracic pelvic phalangeal dystrophy; Jeune's syndrome; Chondroectodermal dysplasia-like syndrome; Jeune syndrome. Identifiers: Orphanet 474, MedGen C0265275, MONDO:0018770.
Nephronophthisis 12 (NPHP12). Identifiers: Orphanet 655, MedGen C3151186, MONDO:0013442, OMIM 613820.
Asphyxiating thoracic dystrophy 4 (SRTD4). Also called: SHORT-RIB THORACIC DYSPLASIA 4 WITH OR WITHOUT POLYDACTYLY; SHORT-RIB THORACIC DYSPLASIA 4. Identifiers: Orphanet 474, MedGen C3151185, MONDO:0013441, OMIM 613819.

Allele frequency attached by ClinVar (database versions not stated): gnomAD 0.00001 and 0.00002; gnomAD exomes 0.00002; TOPMed 0.00002; ExAC 0.00003; ESP Exome Variant Server 0.00015.
gnomAD v4.1: 35 of 1,614,032 alleles (0.0022%); highest among the groups gnomAD compares: Non-Finnish European, 0.0028%; no homozygotes.

Submissions (2):

Labcorp Genetics (formerly Invitae), Labcorp
Classification: Uncertain significance for Jeune thoracic dystrophy; Nephronophthisis. Last evaluated: 2022-06-27. Review status: criteria provided, single submitter. Criteria: Invitae Variant Classification Sherloc (09022015). Collection method: clinical testing. Allele origin: germline.
Comment: This sequence change replaces valine, which is neutral and non-polar, with isoleucine, which is neutral and non-polar, at codon 626 of the TTC21B protein (p.Val626Ile). This variant is present in population databases (rs144411419, gnomAD 0.004%). This variant has not been reported in the literature in individuals affected with TTC21B-related conditions. Algorithms developed to predict the effect of missense changes on protein structure and function (SIFT, PolyPhen-2, Align-GVGD) all suggest that this variant is likely to be tolerated. In summary, the available evidence is currently insufficient to determine the role of this variant in disease. Therefore, it has been classified as a Variant of Uncertain Significance.

Fulgent Genetics
Classification: Uncertain significance for Asphyxiating thoracic dystrophy 4; Nephronophthisis 12. Last evaluated: 2022-01-10. Review status: criteria provided, single submitter. Criteria: ACMG Guidelines, 2015. Collection method: clinical testing. Allele origin: unknown.

NM_024753.5(TTC21B):c.1876G>A (p.Val626Ile)

Gene: TTC21B (tetratricopeptide repeat domain 21B; minus strand). Cytogenetic location: 2q24.3.
Variant type: single nucleotide variant.
Coding change: c.1876G>A on transcript NM_024753.5 (MANE Select); coding-DNA position 1876, G replaced by A.
Protein change: p.Val626Ile; replaces valine 626 with isoleucine.
Molecular consequence: missense variant.
Genome position (GRCh38, 1-based): chr2:165,917,280, C>T on the plus strand (G>A on the coding strand, the complement: TTC21B is on the minus strand). VCF-style: chr2-165917280-C-T. GRCh37 (hg19) VCF-style: chr2-166773790-C-T.
Other names: short protein forms V626I.
Identifiers: ClinVar variation 1418870 (VCV001418870.4), dbSNP rs144411419, ClinGen allele CA1941999.